The following is an entry in ClinVar:

NM_014762.4(DHCR24):c.1218+1G>A

Gene: DHCR24 (24-dehydrocholesterol reductase; minus strand). Cytogenetic location: 1p32.3.
Variant type: single nucleotide variant.
Coding change: c.1218+1G>A on transcript NM_014762.4 (MANE Select); the canonical splice donor site of the intron after coding-DNA position 1218, G replaced by A.
Molecular consequence: splice donor variant.
Genome position (GRCh38, 1-based): chr1:54,854,036, C>T on the plus strand (G>A on the coding strand, the complement: DHCR24 is on the minus strand). VCF-style: chr1-54854036-C-T. GRCh37 (hg19) VCF-style: chr1-55319709-C-T.
Identifiers: ClinVar variation 1065507 (VCV001065507.3), dbSNP rs1010033960, ClinGen allele CA22749207.
Genomic context (GRCh38, chr1:54,854,036, plus strand): 5'-AGGAGACCATGGATTCCAAGGGAATGCACCTGGTGCGCCCTCCCTGCCCTGCCCCACTCA[C>T]GTGGATGTCGTTTTGGAAGGTGTGCAGGGCCTGCTGCAGGCACTTCATGGGCACCAGCAT-3'

ClinVar aggregate classification (germline): Pathogenic/Likely pathogenic. Review status: criteria provided, multiple submitters, no conflicts (2 of 4 stars). 2 submissions from 2 submitters: Pathogenic (1); Likely pathogenic (1). Last evaluated 2022-11-07.

Conditions:
Non-immune hydrops fetalis (NIHF). Also called: Fetal edema; Idiopathic hydrops fetalis; Familial non-immune hydrops fetalis. Identifiers: Orphanet 363999, MedGen C0455988, MONDO:0009369, OMIM 236750, HP:0001790.

Allele frequency attached by ClinVar (database versions not stated): TOPMed 0.00001; gnomAD 0.00002.
gnomAD v4.1: 10 of 1,611,608 alleles (0.00062%); highest among the groups gnomAD compares: Non-Finnish European, 0.00085%; no homozygotes.

Submissions (2):

GeneDx
Classification: Likely pathogenic. Last evaluated: 2022-11-07. Review status: criteria provided, single submitter. Criteria: GeneDx Variant Classification Process June 2021. Collection method: clinical testing. Allele origin: germline. Affected: yes.
Comment: Not observed at significant frequency in large population cohorts (gnomAD); Canonical splice site variant with an unclear effect on protein function; This variant is associated with the following publications: (PMID: 33027564)

Genomic Medicine Lab, University of California San Francisco
Classification: Pathogenic for Non-immune hydrops fetalis. Last evaluated: 2020-03-19. Review status: criteria provided, single submitter. Criteria: ACMG Guidelines, 2015. Collection method: clinical testing. Allele origin: maternal. Inheritance: Autosomal recessive inheritance. Affected: yes. Study: CSER-P3EGS.